The following is an entry in ClinVar:

ClinVar aggregate classification (germline): Benign/Likely benign. Review status: criteria provided, multiple submitters, no conflicts (2 of 4 stars). 2 submissions from 2 submitters: Benign (1); Likely benign (1). Last evaluated 2025-05-08.

Conditions:
Hereditary cancer-predisposing syndrome. Also called: Hereditary Cancer Syndrome; Tumor predisposition; Neoplastic Syndromes, Hereditary; Hereditary neoplastic syndrome. Identifiers: Orphanet 140162, MedGen C0027672, MeSH D009386, MONDO:0015356.
Tuberous sclerosis 2 (TSC2). Identifiers: Orphanet 805, MedGen C1860707, MONDO:0013199, OMIM 613254.

Submissions (2):

Myriad Genetics, Inc.
Classification: Benign for Tuberous sclerosis 2. Last evaluated: 2025-05-08. Review status: criteria provided, single submitter. Criteria: Myriad Autosomal Dominant, Autosomal Recessive and X-Linked Classification Criteria (2023). Collection method: clinical testing. Allele origin: unknown.
Comment: This variant is considered benign. This variant is a silent/synonymous amino acid change and it is not expected to impact splicing.

Ambry Genetics
Classification: Likely benign for Hereditary cancer-predisposing syndrome. Last evaluated: 2023-12-24. Review status: criteria provided, single submitter. Criteria: Ambry Variant Classification Scheme 2023. Collection method: clinical testing. Allele origin: germline.

NM_000548.5(TSC2):c.612G>A (p.Leu204=)

Gene: TSC2 (TSC complex subunit 2; plus strand). Cytogenetic location: 16p13.3.
Variant type: single nucleotide variant.
Coding change: c.612G>A on transcript NM_000548.5 (MANE Select); coding-DNA position 612, G replaced by A.
Protein change: p.Leu204=; no amino-acid change (leucine 204 retained).
Molecular consequence: synonymous variant. On other transcripts: 5 prime UTR variant (10), non-coding transcript variant (5).
Genome position (GRCh38, 1-based): chr16:2,056,208, G>A. VCF-style: chr16-2056208-G-A. GRCh37 (hg19) VCF-style: chr16-2106209-G-A.
Other names: c.612G>A, p.Leu204= (NM_001077183.3, NM_001114382.3, NM_001363528.2 and 8 more transcripts); c.501G>A, p.Leu167= (NM_001318827.2, NM_001406670.1, NM_001406678.1); c.465G>A, p.Leu155= (NM_001318829.2, NM_001406675.1, NM_001406676.1 and 1 more transcripts); c.12G>A, p.Leu4= (NM_001318831.2, NM_001406680.1, NM_001406682.1 and 6 more transcripts); c.645G>A, p.Leu215= (NM_001318832.2); c.702G>A, p.Leu234= (NM_001406667.1, NM_001406668.1); c.555G>A, p.Leu185= (NM_001406677.1); c.150G>A, p.Leu50= (NM_001406681.1); and 4 more.
Identifiers: ClinVar variation 3232200 (VCV003232200.2), dbSNP rs2548449920, ClinGen allele CA492956296.